The following is an entry in ClinVar:

ClinVar aggregate classification (germline): Uncertain significance. Review status: criteria provided, multiple submitters, no conflicts (2 of 4 stars). 3 submissions from 3 submitters: Uncertain significance (3). Last evaluated 2024-01-03.

Conditions:
Hereditary cancer-predisposing syndrome. Also called: Neoplastic Syndromes, Hereditary; Hereditary neoplastic syndrome; Tumor predisposition; Hereditary Cancer Syndrome. Identifiers: Orphanet 140162, MedGen C0027672, MeSH D009386, MONDO:0015356.
POLD1-related polyposis and colorectal cancer syndrome (CRCS10). Also called: Colorectal cancer 10; COLORECTAL CANCER, SUSCEPTIBILITY TO, ON CHROMOSOME 19q; Colorectal cancer, susceptibility to, 10. Identifiers: Orphanet 220460, MedGen C2675481, MONDO:0012953, OMIM 612591.

Allele frequency attached by ClinVar (database versions not stated): gnomAD exomes below 0.00001.
gnomAD v4.1: 1 of 1,607,222 alleles (0.000062%); highest among the groups gnomAD compares: Non-Finnish European, 0.000085%; no homozygotes.

Submissions (3):

GeneDx
Classification: Uncertain significance. Last evaluated: 2024-01-03. Review status: criteria provided, single submitter. Criteria: GeneDx Variant Classification Process June 2021. Collection method: clinical testing. Allele origin: germline. Affected: yes.
Comment: Not observed at significant frequency in large population cohorts (gnomAD); In silico analysis supports that this missense variant does not alter protein structure/function; Has not been previously published as pathogenic or benign to our knowledge; This variant is associated with the following publications: (PMID: 20951805)

Ambry Genetics
Classification: Uncertain significance for Hereditary cancer-predisposing syndrome. Last evaluated: 2023-12-31. Review status: criteria provided, single submitter. Criteria: Ambry Variant Classification Scheme 2023. Collection method: clinical testing. Allele origin: germline.
Comment: The p.S816F variant (also known as c.2447C>T), located in coding exon 19 of the POLD1 gene, results from a C to T substitution at nucleotide position 2447. The serine at codon 816 is replaced by phenylalanine, an amino acid with highly dissimilar properties. This amino acid position is conserved. In addition, this alteration is predicted to be tolerated by in silico analysis. Since supporting evidence is limited at this time, the clinical significance of this alteration remains unclear.

Labcorp Genetics (formerly Invitae), Labcorp
Classification: Uncertain significance for POLD1-related polyposis and colorectal cancer syndrome. Last evaluated: 2017-02-22. Review status: criteria provided, single submitter. Criteria: Invitae Variant Classification Sherloc (09022015). Collection method: clinical testing. Allele origin: germline.
Comment: In summary, this variant is a novel missense change with uncertain impact on protein function. It has been classified as a Variant of Uncertain Significance. Algorithms developed to predict the effect of missense changes on protein structure and function do not agree on the potential impact of this missense change (SIFT: "Deleterious"; PolyPhen-2: "Possibly Damaging"; Align-GVGD: "Class C0"). This variant is not present in population databases (ExAC no frequency) and has not been reported in the literature in individuals with a POLD1-related disease. This sequence change replaces serine with phenylalanine at codon 816 of the POLD1 protein (p.Ser816Phe). The serine residue is moderately conserved and there is a large physicochemical difference between serine and phenylalanine.

NM_002691.4(POLD1):c.2447C>T (p.Ser816Phe)

Gene: POLD1 (DNA polymerase delta 1, catalytic subunit; plus strand). Cytogenetic location: 19q13.33.
Variant type: single nucleotide variant.
Coding change: c.2447C>T on transcript NM_002691.4 (MANE Select); coding-DNA position 2447, C replaced by T.
Protein change: p.Ser816Phe; replaces serine 816 with phenylalanine.
Molecular consequence: missense variant. On other transcripts: non-coding transcript variant (1).
Genome position (GRCh38, 1-based): chr19:50,414,873, C>T. VCF-style: chr19-50414873-C-T. GRCh37 (hg19) VCF-style: chr19-50918130-C-T.
Other names: c.2447C>T, p.Ser816Phe (NM_001256849.1); c.2525C>T, p.Ser842Phe (NM_001308632.1); c.2447C>T (NM_002691.2); short protein forms S816F, S842F.
Identifiers: ClinVar variation 469263 (VCV000469263.10), dbSNP rs1555792834, ClinGen allele CA406984753.